The following is an entry in ClinVar:

ClinVar aggregate classification (germline): Likely benign. Review status: criteria provided, multiple submitters, no conflicts (2 of 4 stars). 2 submissions from 2 submitters: Likely benign (2). Last evaluated 2025-08-09.

gnomAD v4.1: 6 of 1,614,258 alleles (0.00037%); highest among the groups gnomAD compares: South Asian, 0.0011%; no homozygotes.

Submissions (2):

Labcorp Genetics (formerly Invitae), Labcorp
Classification: Likely benign. Last evaluated: 2025-08-09. Review status: criteria provided, single submitter. Criteria: Invitae Variant Classification Sherloc (09022015). Collection method: clinical testing. Allele origin: germline.

CeGaT Center for Human Genetics Tuebingen
Classification: Likely benign. Last evaluated: 2023-03-01. Review status: criteria provided, single submitter. Criteria: CeGaT Center For Human Genetics Tuebingen Variant Classification Criteria Version 2. Collection method: clinical testing. Allele origin: germline. Affected: yes. Observed: 1 variant allele.
Comment: AK7: PM2:Supporting, BP4, BP7

NM_152327.5(AK7):c.471T>C (p.Thr157=)

Gene: AK7 (adenylate kinase 7; plus strand). Cytogenetic location: 14q32.2.
Variant type: single nucleotide variant.
Coding change: c.471T>C on transcript NM_152327.5 (MANE Select); coding-DNA position 471, T replaced by C.
Protein change: p.Thr157=; no amino-acid change (threonine 157 retained).
Molecular consequence: synonymous variant.
Genome position (GRCh38, 1-based): chr14:96,408,914, T>C. VCF-style: chr14-96408914-T-C. GRCh37 (hg19) VCF-style: chr14-96875251-T-C.
Other names: c.471T>C, p.Thr157= (NM_001350888.2, NM_001350890.2, NM_001350891.2 and 1 more transcripts).
Identifiers: ClinVar variation 2644500 (VCV002644500.25), dbSNP rs1595377508, ClinGen allele CA487715409.